The following is an entry in ClinVar:

ClinVar aggregate classification (germline): Likely benign (1 of 4 stars; one submission).

Allele frequency attached by ClinVar (database versions not stated): gnomAD exomes below 0.00001; ExAC 0.00002; 1000 Genomes Project 30x 0.00021; 1000 Genomes Project 0.00026.

Submission:

CeGaT Center for Human Genetics Tuebingen
Classification: Likely benign. Last evaluated: 2022-12-01. Review status: criteria provided, single submitter. Criteria: CeGaT Center For Human Genetics Tuebingen Variant Classification Criteria Version 2. Collection method: clinical testing. Allele origin: germline. Affected: yes. Observed: 1 variant allele.
Comment: NHS: BP4, BP7, BS2

NM_001291867.2(NHS):c.1407T>G (p.Gly469=)

Gene: NHS (NHS actin remodeling regulator; plus strand). Cytogenetic location: Xp22.13.
Variant type: single nucleotide variant.
Coding change: c.1407T>G on transcript NM_001291867.2 (MANE Select); coding-DNA position 1407, T replaced by G.
Protein change: p.Gly469=; no amino-acid change (glycine 469 retained).
Molecular consequence: synonymous variant.
Genome position (GRCh38, 1-based): chrX:17,725,513, T>G. VCF-style: chrX-17725513-T-G. GRCh37 (hg19) VCF-style: chrX-17743633-T-G.
Other names: c.876T>G, p.Gly292= (NM_001136024.4); c.813T>G, p.Gly271= (NM_001291868.2); c.1344T>G, p.Gly448= (NM_198270.4).
Identifiers: ClinVar variation 2660084 (VCV002660084.24), dbSNP rs776868852, ClinGen allele CA10358613.